The following is an entry in ClinVar:

ClinVar aggregate classification (germline): Likely benign (1 of 4 stars; one submission).

Allele frequency attached by ClinVar (database versions not stated): gnomAD 0.00568 and 0.00592; TOPMed 0.00618; 1000 Genomes Project 0.00639; 1000 Genomes Project 30x 0.00718.
gnomAD v4.1: 853 of 152,254 alleles (0.56%); highest among the groups gnomAD compares: African/African-American, 2%; 11 homozygotes.

Submission:

GeneDx
Classification: Likely benign. Last evaluated: 2018-06-14. Review status: criteria provided, single submitter. Criteria: GeneDx Variant Classification (06012015). Collection method: clinical testing. Allele origin: germline. Affected: yes.
Comment: This variant is considered likely benign or benign based on one or more of the following criteria: it is a conservative change, it occurs at a poorly conserved position in the protein, it is predicted to be benign by multiple in silico algorithms, and/or has population frequency not consistent with disease.

NM_001148.6(ANK2):c.2277+204A>G

Gene: ANK2 (ankyrin 2; plus strand). Cytogenetic location: 4q26.
Variant type: single nucleotide variant.
Coding change: c.2277+204A>G on transcript NM_001148.6 (MANE Select); 204 bases into the intron after coding-DNA position 2277, A replaced by G.
Molecular consequence: intron variant.
Genome position (GRCh38, 1-based): chr4:113,288,690, A>G. VCF-style: chr4-113288690-A-G. GRCh37 (hg19) VCF-style: chr4-114209846-A-G.
Other names: c.2265+204A>G (NM_001386186.2, NM_001386148.2); c.2067+204A>G (NM_001354269.3); c.2241+204A>G (NM_001386187.2); c.2235+204A>G (NM_001386147.1, NM_001386160.1, NM_001354261.2); c.2214+204A>G (NM_001354254.2, NM_001354239.2, NM_001354252.2 and 10 more transcripts); c.2115+204A>G (NM_001354253.2, NM_001354270.2, NM_001354257.2 and 1 more transcripts); c.2190+204A>G (NM_001354249.2, NM_001354266.2, NM_001354276.2 and 10 more transcripts); c.2091+204A>G (NM_001386151.1, NM_001354260.2, NM_001354271.2); and 8 more.
Identifiers: ClinVar variation 676078 (VCV000676078.1), dbSNP rs72900040, ClinGen allele CA103793013.